The following is an entry in ClinVar:

NM_000391.4(TPP1):c.28C>A (p.Leu10Ile)

Gene: TPP1 (tripeptidyl peptidase 1; minus strand). Cytogenetic location: 11p15.4.
Variant type: single nucleotide variant.
Coding change: c.28C>A on transcript NM_000391.4 (MANE Select); coding-DNA position 28, C replaced by A.
Protein change: p.Leu10Ile; replaces leucine 10 with isoleucine.
Molecular consequence: missense variant.
Genome position (GRCh38, 1-based): chr11:6,619,257, G>T on the plus strand (C>A on the coding strand, the complement: TPP1 is on the minus strand). VCF-style: chr11-6619257-G-T. GRCh37 (hg19) VCF-style: chr11-6640488-G-T.
Other names: short protein forms L10I.
Identifiers: ClinVar variation 2025175 (VCV002025175.4), dbSNP rs2493802865, ClinGen allele CA379477061.

ClinVar aggregate classification (germline): Uncertain significance (1 of 4 stars; one submission).

Submission:

Labcorp Genetics (formerly Invitae), Labcorp
Classification: Uncertain significance. Last evaluated: 2022-08-20. Review status: criteria provided, single submitter. Criteria: Invitae Variant Classification Sherloc (09022015). Collection method: clinical testing. Allele origin: germline.
Comment: In summary, the available evidence is currently insufficient to determine the role of this variant in disease. Therefore, it has been classified as a Variant of Uncertain Significance. Advanced modeling of protein sequence and biophysical properties (such as structural, functional, and spatial information, amino acid conservation, physicochemical variation, residue mobility, and thermodynamic stability) performed at Invitae indicates that this missense variant is not expected to disrupt TPP1 protein function. This variant has not been reported in the literature in individuals affected with TPP1-related conditions. This variant is not present in population databases (gnomAD no frequency). This sequence change replaces leucine, which is neutral and non-polar, with isoleucine, which is neutral and non-polar, at codon 10 of the TPP1 protein (p.Leu10Ile).